The following is an entry in ClinVar:

NM_020738.4(KIDINS220):c.991T>G (p.Cys331Gly)

Gene: KIDINS220 (kinase D interacting substrate 220; minus strand). Cytogenetic location: 2p25.1.
Variant type: single nucleotide variant.
Coding change: c.991T>G on transcript NM_020738.4 (MANE Select); coding-DNA position 991, T replaced by G.
Protein change: p.Cys331Gly; replaces cysteine 331 with glycine.
Molecular consequence: missense variant. On other transcripts: non-coding transcript variant (2).
Genome position (GRCh38, 1-based): chr2:8,798,210, A>C on the plus strand (T>G on the coding strand, the complement: KIDINS220 is on the minus strand). VCF-style: chr2-8798210-A-C. GRCh37 (hg19) VCF-style: chr2-8938340-A-C.
Other names: c.994T>G, p.Cys332Gly (NM_001348729.2, NM_001348731.2, NM_001348734.2 and 3 more transcripts); c.991T>G, p.Cys331Gly (NM_001348732.2, NM_001348735.2, NM_001348738.2 and 3 more transcripts); c.865T>G, p.Cys289Gly (NM_001348736.2); short protein forms C289G, C331G, C332G.
Identifiers: ClinVar variation 5000964 (VCV005000964.1).

ClinVar aggregate classification (germline): Uncertain significance (1 of 4 stars; one submission).

Conditions:
KIDINS220-related disorder. Also called: KIDINS220-related condition.

gnomAD v4.1: 3 of 1,595,180 alleles (0.00019%); highest among the groups gnomAD compares: Admixed American, 0.005%; no homozygotes.

Submission:

PreventionGenetics, part of Exact Sciences
Classification: Uncertain significance for KIDINS220-related condition. Last evaluated: 2025-12-26. Review status: criteria provided, single submitter. Criteria: ACMG Guidelines, 2015. Collection method: clinical testing. Allele origin: germline.
Comment: The KIDINS220 c.991T>G variant is predicted to result in the amino acid substitution p.Cys331Gly. To our knowledge, this variant has not been reported in the literature. This variant is reported in 0.0058% of alleles in individuals of Latino descent in gnomAD. At this time, the clinical significance of this variant is uncertain due to the absence of conclusive functional and genetic evidence.